The following is an entry in ClinVar:

NM_004612.4(TGFBR1):c.710G>A (p.Arg237Lys)

Gene: TGFBR1 (transforming growth factor beta receptor 1; plus strand). Cytogenetic location: 9q22.33.
Variant type: single nucleotide variant.
Coding change: c.710G>A on transcript NM_004612.4 (MANE Select); coding-DNA position 710, G replaced by A.
Protein change: p.Arg237Lys; replaces arginine 237 with lysine.
Molecular consequence: missense variant.
Genome position (GRCh38, 1-based): chr9:99,137,994, G>A. VCF-style: chr9-99137994-G-A. GRCh37 (hg19) VCF-style: chr9-101900276-G-A.
Other names: c.479G>A, p.Arg160Lys (NM_001130916.3); c.722G>A, p.Arg241Lys (NM_001306210.2); short protein forms R160K, R241K, R237K.
Identifiers: ClinVar variation 858865 (VCV000858865.10), dbSNP rs1827490566, ClinGen allele CA374229756.

ClinVar aggregate classification (germline): Uncertain significance (1 of 4 stars; one submission).

Conditions:
Familial thoracic aortic aneurysm and aortic dissection (TAAD). Also called: Thoracic aortic aneurysms and dissections. Identifiers: Orphanet 91387, MedGen C4707243, MONDO:0019625.

Submission:

Labcorp Genetics (formerly Invitae), Labcorp
Classification: Uncertain significance for Familial thoracic aortic aneurysm and aortic dissection. Last evaluated: 2019-12-19. Review status: criteria provided, single submitter. Criteria: Invitae Variant Classification Sherloc (09022015). Collection method: clinical testing. Allele origin: germline.
Comment: In summary, the available evidence is currently insufficient to determine the role of this variant in disease. Therefore, it has been classified as a Variant of Uncertain Significance. This variant has been reported not to substantially affect TGFBR1 protein function (PMID: 27558455). This variant has not been reported in the literature in individuals with TGFBR1-related conditions. This variant is not present in population databases (ExAC no frequency). This sequence change replaces arginine with lysine at codon 237 of the TGFBR1 protein (p.Arg237Lys). The arginine residue is highly conserved and there is a small physicochemical difference between arginine and lysine.

Literature cited by the submitters: PubMed 27558455.